The following is an entry in ClinVar:

NM_001130965.3(SUN1):c.763G>A (p.Ala255Thr)

Gene: SUN1 (Sad1 and UNC84 domain containing 1; plus strand). Cytogenetic location: 7p22.3.
Variant type: single nucleotide variant.
Coding change: c.763G>A on transcript NM_001130965.3 (MANE Select); coding-DNA position 763, G replaced by A.
Protein change: p.Ala255Thr; replaces alanine 255 with threonine.
Molecular consequence: missense variant. On other transcripts: non-coding transcript variant (3).
Genome position (GRCh38, 1-based): chr7:851,955, G>A. VCF-style: chr7-851955-G-A. GRCh37 (hg19) VCF-style: chr7-891592-G-A.
Other names: c.457G>A, p.Ala153Thr (NM_001171944.2); c.763G>A, p.Ala255Thr (NM_001367633.1, NM_001367634.1, NM_001367653.1 and 3 more transcripts); c.412G>A, p.Ala138Thr (NM_001367635.1); c.1006G>A, p.Ala336Thr (NM_001367636.1, NM_001367655.1, NM_001367666.1 and 1 more transcripts); c.874G>A, p.Ala292Thr (NM_001367638.1, NM_001367664.1, NM_001367685.1 and 1 more transcripts); c.307G>A, p.Ala103Thr (NM_001367639.1); c.946G>A, p.Ala316Thr (NM_001367640.1, NM_001367675.1, NM_001367676.1); c.1045G>A, p.Ala349Thr (NM_001367641.1, NM_001367682.1, NM_001367698.1); and 24 more; short protein forms A255T, A172T, A200T, A270T, A271T, A283T, A321T, A66T.
Identifiers: ClinVar variation 580042 (VCV000580042.9), dbSNP rs201864272, ClinGen allele CA4111920.
Genomic context (GRCh38, chr7:851,955, plus strand): 5'-GAGCTTGGTTTTCCTAAAAACATTTCCTTAGAATGTTTGGTGTTTTCTCTTGTAGGGAAG[G>A]CAGCCTCTGGAGTGTTCTGGTGGCTGGGGATTGGATGGTACCAGTTTGTTACTTTGATTT-3'
Protein context (NP_001124437.1, residues 245-265): LWLAVVAPGK[Ala255Thr]ASGVFWWLGI

ClinVar aggregate classification (germline): Uncertain significance. Review status: criteria provided, multiple submitters, no conflicts (2 of 4 stars). 2 submissions from 2 submitters: Uncertain significance (2). Last evaluated 2025-08-04.

Conditions:
Emery-Dreifuss muscular dystrophy (EDMD). Also called: Scapuloperoneal syndrome, X-linked (formerly); Humeroperoneal neuromuscular disease, (formerly). Identifiers: Orphanet 261, MedGen C0410189, MONDO:0016830.

Allele frequency attached by ClinVar (database versions not stated): ExAC 0.00002; gnomAD exomes 0.00002; gnomAD 0.00004 and 0.00005; TOPMed 0.00007.
gnomAD v4.1: 52 of 1,613,530 alleles (0.0032%); highest among the groups gnomAD compares: Non-Finnish European, 0.0042%; no homozygotes.

Submissions (2):

Ambry Genetics
Classification: Uncertain significance. Last evaluated: 2025-08-04. Review status: criteria provided, single submitter. Criteria: Ambry Variant Classification Scheme 2023. Collection method: clinical testing. Allele origin: germline.

Labcorp Genetics (formerly Invitae), Labcorp
Classification: Uncertain significance for Emery-Dreifuss muscular dystrophy. Last evaluated: 2025-06-22. Review status: criteria provided, single submitter. Criteria: Invitae Variant Classification Sherloc (09022015). Collection method: clinical testing. Allele origin: germline.
Comment: This sequence change replaces alanine, which is neutral and non-polar, with threonine, which is neutral and polar, at codon 255 of the SUN1 protein (p.Ala255Thr). This variant is present in population databases (rs201864272, gnomAD 0.004%). This variant has not been reported in the literature in individuals affected with SUN1-related conditions. ClinVar contains an entry for this variant (Variation ID: 580042). An algorithm developed to predict the effect of missense changes on protein structure and function (PolyPhen-2) suggests that this variant is likely to be tolerated. In summary, the available evidence is currently insufficient to determine the role of this variant in disease. Therefore, it has been classified as a Variant of Uncertain Significance.